The following is an entry in ClinVar:

ClinVar aggregate classification (germline): Likely benign. Review status: criteria provided, multiple submitters, no conflicts (2 of 4 stars). 5 submissions from 5 submitters: Likely benign (5). Last evaluated 2026-06-29.

Conditions:
Cardiovascular phenotype. Identifiers: MedGen CN230736.

Allele frequency attached by ClinVar (database versions not stated): gnomAD 0.00004; gnomAD exomes 0.00005; ExAC 0.00007; 1000 Genomes Project 30x 0.00016.
gnomAD v4.1: 45 of 1,547,550 alleles (0.0029%); highest among the groups gnomAD compares: South Asian, 0.006%; no homozygotes.

Submissions (5):

Women's Health and Genetics/Laboratory Corporation of America, LabCorp
Classification: Likely benign. Last evaluated: 2026-06-29. Review status: criteria provided, single submitter. Criteria: LabCorp Variant Classification Summary - May 2015. Collection method: clinical testing. Allele origin: germline.

Labcorp Genetics (formerly Invitae), Labcorp
Classification: Likely benign. Last evaluated: 2026-01-04. Review status: criteria provided, single submitter. Criteria: Invitae Variant Classification Sherloc (09022015). Collection method: clinical testing. Allele origin: germline.

CeGaT Center for Human Genetics Tuebingen
Classification: Likely benign. Last evaluated: 2025-09-01. Review status: criteria provided, single submitter. Criteria: CeGaT Center For Human Genetics Tuebingen Variant Classification Criteria Version 2. Collection method: clinical testing. Allele origin: germline. Affected: yes. Observed: 1 variant allele.
Comment: ZNF469: BP4, BP7

GeneDx
Classification: Likely benign. Last evaluated: 2020-10-08. Review status: criteria provided, single submitter. Criteria: GeneDx Variant Classification Process June 2021. Collection method: clinical testing. Allele origin: germline. Affected: yes.

Ambry Genetics
Classification: Likely benign for Cardiovascular phenotype. Last evaluated: 2019-06-22. Review status: criteria provided, single submitter. Criteria: Ambry Variant Classification Scheme 2023. Collection method: clinical testing. Allele origin: germline.

NM_001367624.2(ZNF469):c.8706G>A (p.Thr2902=)

Gene: ZNF469 (zinc finger protein 469; plus strand). Cytogenetic location: 16q24.2.
Variant type: single nucleotide variant.
Coding change: c.8706G>A on transcript NM_001367624.2 (MANE Select); coding-DNA position 8706, G replaced by A.
Protein change: p.Thr2902=; no amino-acid change (threonine 2902 retained).
Molecular consequence: synonymous variant.
Genome position (GRCh38, 1-based): chr16:88,436,176, G>A. VCF-style: chr16-88436176-G-A. GRCh37 (hg19) VCF-style: chr16-88502584-G-A.
Other names: NM_001127464.1:c.8622G>A.
Identifiers: ClinVar variation 1190774 (VCV001190774.20), dbSNP rs767731436, ClinGen allele CA8225362.